The following is an entry in ClinVar:

ClinVar aggregate classification (germline): Uncertain significance (1 of 4 stars; one submission).

Conditions:
Reticular dysgenesis. Also called: ALEUKOCYTOSIS; CONGENITAL ALEUKIA; HEMATOPOIETIC HYPOPLASIA, GENERALIZED; RETICULAR DYSGENESIA; SEVERE COMBINED IMMUNODEFICIENCY WITH LEUKOPENIA; DeVaal disease. Identifiers: Orphanet 33355, MedGen C0272167, MONDO:0009973, OMIM 267500.

Allele frequency attached by ClinVar (database versions not stated): gnomAD 0.00001; TOPMed 0.00001.
gnomAD v4.1: 4 of 1,599,698 alleles (0.00025%); highest among the groups gnomAD compares: Non-Finnish European, 0.00026%; no homozygotes.

Submission:

Labcorp Genetics (formerly Invitae), Labcorp
Classification: Uncertain significance for Reticular dysgenesis. Last evaluated: 2022-10-05. Review status: criteria provided, single submitter. Criteria: Invitae Variant Classification Sherloc (09022015). Collection method: clinical testing. Allele origin: germline.
Comment: This sequence change replaces proline, which is neutral and non-polar, with serine, which is neutral and polar, at codon 13 of the AK2 protein (p.Pro13Ser). This variant is not present in population databases (gnomAD no frequency). This variant has not been reported in the literature in individuals affected with AK2-related conditions. ClinVar contains an entry for this variant (Variation ID: 840047). Algorithms developed to predict the effect of missense changes on protein structure and function (SIFT, PolyPhen-2, Align-GVGD) all suggest that this variant is likely to be tolerated. Algorithms developed to predict the effect of sequence changes on RNA splicing suggest that this variant may disrupt the consensus splice site. In summary, the available evidence is currently insufficient to determine the role of this variant in disease. Therefore, it has been classified as a Variant of Uncertain Significance.

NM_001625.4(AK2):c.37C>T (p.Pro13Ser)

Genes: AK2 (adenylate kinase 2; minus strand), LOC129930068 (ATAC-STARR-seq lymphoblastoid active region 705; plus strand). Cytogenetic location: 1p35.1.
Variant type: single nucleotide variant.
Coding change: c.37C>T on transcript NM_001625.4 (MANE Select); coding-DNA position 37, C replaced by T.
Protein change: p.Pro13Ser; replaces proline 13 with serine.
Molecular consequence: missense variant. On other transcripts: 5 prime UTR variant (2), non-coding transcript variant (1).
Genome position (GRCh38, 1-based): chr1:33,036,792, G>A on the plus strand (C>T on the coding strand, the complement: AK2 is on the minus strand). VCF-style: chr1-33036792-G-A. GRCh37 (hg19) VCF-style: chr1-33502393-G-A.
Other names: c.37C>T, p.Pro13Ser (NM_001199199.3, NM_001319141.3, NM_001319142.3 and 2 more transcripts); c.-226C>T (NM_001319139.3, NM_001319140.2); short protein forms P13S.
Identifiers: ClinVar variation 840047 (VCV000840047.7), dbSNP rs1227064309, ClinGen allele CA339692990.